The following is an entry in ClinVar:

NM_021815.5(SLC5A7):c.1412G>A (p.Gly471Asp)

Gene: SLC5A7 (solute carrier family 5 member 7; plus strand). Cytogenetic location: 2q12.3.
Variant type: single nucleotide variant.
Coding change: c.1412G>A on transcript NM_021815.5 (MANE Select); coding-DNA position 1412, G replaced by A.
Protein change: p.Gly471Asp; replaces glycine 471 with aspartic acid.
Molecular consequence: missense variant.
Genome position (GRCh38, 1-based): chr2:108,010,530, G>A. VCF-style: chr2-108010530-G-A. GRCh37 (hg19) VCF-style: chr2-108626986-G-A.
Other names: c.1412G>A, p.Gly471Asp (NM_001305005.3); c.1097G>A, p.Gly366Asp (NM_001305006.3); c.671G>A, p.Gly224Asp (NM_001305007.3); short protein forms G366D, G224D, G471D.
Identifiers: ClinVar variation 2930705 (VCV002930705.3), dbSNP rs768759762, ClinGen allele CA1819174.

ClinVar aggregate classification (germline): Uncertain significance (1 of 4 stars; one submission).

Conditions:
Neuronopathy, distal hereditary motor, type 7A. Also called: Neuronopathy, distal hereditary motor, type viia; HARPER-YOUNG MYOPATHY; HMN VIIA; NEURONOPATHY, DISTAL HEREDITARY MOTOR, HARDING TYPE VIIA; NEUROPATHY, DISTAL HEREDITARY MOTOR, HARDING TYPE VIIA; Neuronopathy, distal hereditary motor, autosomal dominant 7. Identifiers: Orphanet 139589, MedGen C1834703, MONDO:0008024, OMIM 158580.
Congenital myasthenic syndrome 20. Also called: Myasthenic syndrome, congenital, 20, presynaptic. Identifiers: MedGen C4310694, MONDO:0014939, OMIM 617143.

gnomAD v4.1: 2 of 1,613,724 alleles (0.00012%); highest among the groups gnomAD compares: Admixed American, 0.0017%; no homozygotes.

Submission:

Labcorp Genetics (formerly Invitae), Labcorp
Classification: Uncertain significance for Neuronopathy, distal hereditary motor, type 7A; Congenital myasthenic syndrome 20. Last evaluated: 2023-12-21. Review status: criteria provided, single submitter. Criteria: Invitae Variant Classification Sherloc (09022015). Collection method: clinical testing. Allele origin: germline.
Comment: This sequence change replaces glycine, which is neutral and non-polar, with aspartic acid, which is acidic and polar, at codon 471 of the SLC5A7 protein (p.Gly471Asp). This variant is present in population databases (rs768759762, gnomAD 0.003%). This variant has not been reported in the literature in individuals affected with SLC5A7-related conditions. An algorithm developed to predict the effect of missense changes on protein structure and function (PolyPhen-2) suggests that this variant is likely to be tolerated. In summary, the available evidence is currently insufficient to determine the role of this variant in disease. Therefore, it has been classified as a Variant of Uncertain Significance.